The following is an entry in ClinVar:

ClinVar aggregate classification (germline): Uncertain significance (1 of 4 stars; one submission).

Submission:

Labcorp Genetics (formerly Invitae), Labcorp
Classification: Uncertain significance. Last evaluated: 2021-10-22. Review status: criteria provided, single submitter. Criteria: Invitae Variant Classification Sherloc (09022015). Collection method: clinical testing. Allele origin: germline.
Comment: This sequence change replaces asparagine with aspartic acid at codon 587 of the STAG2 protein (p.Asn587Asp). The asparagine residue is moderately conserved and there is a small physicochemical difference between asparagine and aspartic acid. This variant is not present in population databases (ExAC no frequency). In summary, the available evidence is currently insufficient to determine the role of this variant in disease. Therefore, it has been classified as a Variant of Uncertain Significance. Algorithms developed to predict the effect of missense changes on protein structure and function are either unavailable or do not agree on the potential impact of this missense change (SIFT: "Tolerated"; PolyPhen-2: "Probably Damaging"; Align-GVGD: "Class C0"). This variant has not been reported in the literature in individuals affected with STAG2-related conditions.

NM_001042750.2(STAG2):c.1759A>G (p.Asn587Asp)

Gene: STAG2 (STAG2 cohesin complex component; plus strand). Cytogenetic location: Xq25.
Variant type: single nucleotide variant.
Coding change: c.1759A>G on transcript NM_001042750.2 (MANE Select); coding-DNA position 1759, A replaced by G.
Protein change: p.Asn587Asp; replaces asparagine 587 with aspartic acid.
Molecular consequence: missense variant.
Genome position (GRCh38, 1-based): chrX:124,063,143, A>G. VCF-style: chrX-124063143-A-G. GRCh37 (hg19) VCF-style: chrX-123196993-A-G.
Other names: c.1759A>G, p.Asn587Asp (NM_001042749.2, NM_001042751.2, NM_001282418.2 and 13 more transcripts); short protein forms N587D.
Identifiers: ClinVar variation 1388585 (VCV001388585.6), dbSNP rs2148321011, ClinGen allele CA414272045.